The following is an entry in ClinVar:

ClinVar aggregate classification (germline): Benign/Likely benign. Review status: criteria provided, multiple submitters, no conflicts (2 of 4 stars). 4 submissions from 4 submitters: Benign (1); Likely benign (2). 1 of the submissions does not count toward it. Last evaluated 2026-01-19.

Conditions:
NOTCH1-related disorder. Also called: NOTCH1-related condition; NOTCH1-related disorders.
Familial thoracic aortic aneurysm and aortic dissection (TAAD). Also called: Thoracic aortic aneurysms and dissections. Identifiers: Orphanet 91387, MedGen C4707243, MONDO:0019625.
Adams-Oliver syndrome 5 (AOS5). Identifiers: Orphanet 974, MedGen C4014970, MONDO:0014459, OMIM 616028.

Allele frequency attached by ClinVar (database versions not stated): gnomAD 0.00001 and 0.00011; TOPMed 0.00002; 1000 Genomes Project 30x 0.00016; 1000 Genomes Project 0.00020; gnomAD exomes 0.00024 and 0.00049; ExAC 0.00048.

Submissions (4):

Labcorp Genetics (formerly Invitae), Labcorp
Classification: Benign for Adams-Oliver syndrome 5. Last evaluated: 2026-01-19. Review status: criteria provided, single submitter. Criteria: Invitae Variant Classification Sherloc (09022015). Collection method: clinical testing. Allele origin: germline.

Blueprint Genetics
Classification: Likely benign. Last evaluated: 2024-07-05. Review status: criteria provided, single submitter. Criteria: ACMG Guidelines, 2015. Collection method: clinical testing. Allele origin: germline.

Ambry Genetics
Classification: Likely benign for Familial thoracic aortic aneurysm and aortic dissection. Last evaluated: 2020-03-17. Review status: criteria provided, single submitter. Criteria: Ambry Variant Classification Scheme 2023. Collection method: clinical testing. Allele origin: germline.

PreventionGenetics, part of Exact Sciences
Classification: Benign for NOTCH1-related condition. Last evaluated: 2022-05-23. Review status: no assertion criteria provided. Collection method: clinical testing. Allele origin: germline. Not counted in ClinVar's aggregate classification.
Comment: This variant is classified as benign based on ACMG/AMP sequence variant interpretation guidelines (Richards et al. 2015 PMID: 25741868, with internal and published modifications).

NM_017617.5(NOTCH1):c.5568T>C (p.Ser1856=)

Gene: NOTCH1 (notch receptor 1; minus strand). Cytogenetic location: 9q34.3.
Variant type: single nucleotide variant.
Coding change: c.5568T>C on transcript NM_017617.5 (MANE Select); coding-DNA position 5568, T replaced by C.
Protein change: p.Ser1856=; no amino-acid change (serine 1856 retained).
Molecular consequence: synonymous variant.
Genome position (GRCh38, 1-based): chr9:136,501,818, A>G on the plus strand (T>C on the coding strand, the complement: NOTCH1 is on the minus strand). VCF-style: chr9-136501818-A-G. GRCh37 (hg19) VCF-style: chr9-139396270-A-G.
Other names: c.5568T>C, p.Ser1856= (LRG_1122t1); c.5568T>C (NM_017617.4).
Identifiers: ClinVar variation 477948 (VCV000477948.15), dbSNP rs535478432, ClinGen allele CA5340209.